The following is an entry in ClinVar:

NM_001105206.3(LAMA4):c.3073T>C (p.Tyr1025His)

Gene: LAMA4 (laminin subunit alpha 4; minus strand). Cytogenetic location: 6q21.
Variant type: single nucleotide variant.
Coding change: c.3073T>C on transcript NM_001105206.3 (MANE Select); coding-DNA position 3073, T replaced by C.
Protein change: p.Tyr1025His; replaces tyrosine 1025 with histidine.
Molecular consequence: missense variant.
Genome position (GRCh38, 1-based): chr6:112,139,789, A>G on the plus strand (T>C on the coding strand, the complement: LAMA4 is on the minus strand). VCF-style: chr6-112139789-A-G. GRCh37 (hg19) VCF-style: chr6-112460991-A-G.
Other names: c.3052T>C, p.Tyr1018His (NM_001105207.3, NM_002290.5); c.3052T>C (NM_002290.3); short protein forms Y1018H, Y1025H.
Identifiers: ClinVar variation 474176 (VCV000474176.12), dbSNP rs1554332595, ClinGen allele CA365379258.
Genomic context (GRCh38, chr6:112,139,789, plus strand): 5'-TAGTACTCTTAACTGTCTCTTACCGGGCACATGGCACTGATGTGGAGGGGTCCATATTAT[A>G]GATGTGCTTAAAGTTGTACAAGCTGATCACATCATTATTCAAAGTGGCCAGTTCCAGGCA-3'
Protein context (NP_001098676.2, residues 1015-1035): VISLYNFKHI[Tyr1025His]NMDPSTSVPC

ClinVar aggregate classification (germline): Uncertain significance. Review status: criteria provided, multiple submitters, no conflicts (2 of 4 stars). 3 submissions from 3 submitters: Uncertain significance (3). Last evaluated 2025-04-14.

Conditions:
Dilated cardiomyopathy 1JJ (CMD1JJ). Identifiers: Orphanet 154, MedGen C3808935, MONDO:0014095, OMIM 615235.
Cardiovascular phenotype. Identifiers: MedGen CN230736.

Allele frequency attached by ClinVar (database versions not stated): gnomAD exomes below 0.00001.
gnomAD v4.1: 2 of 1,614,052 alleles (0.00012%); highest among the groups gnomAD compares: Non-Finnish European, 0.00017%; no homozygotes.

Submissions (3):

Ambry Genetics
Classification: Uncertain significance for Cardiovascular phenotype. Last evaluated: 2025-04-14. Review status: criteria provided, single submitter. Criteria: Ambry Variant Classification Scheme 2023. Collection method: clinical testing. Allele origin: germline.
Comment: The p.Y1018H variant (also known as c.3052T>C), located in coding exon 22 of the LAMA4 gene, results from a T to C substitution at nucleotide position 3052. The tyrosine at codon 1018 is replaced by histidine, an amino acid with similar properties. This amino acid position is conserved. In addition, this alteration is predicted to be tolerated by in silico analysis. Since supporting evidence is limited at this time, the clinical significance of this alteration remains unclear.

GeneDx
Classification: Uncertain significance. Last evaluated: 2025-04-04. Review status: criteria provided, single submitter. Criteria: GeneDx Variant Classification Process June 2021. Collection method: clinical testing. Allele origin: germline. Affected: yes.
Comment: Has not been previously published as pathogenic or benign to our knowledge; Not observed at significant frequency in large population cohorts (gnomAD); In silico analysis supports that this missense variant has a deleterious effect on protein structure/function

Labcorp Genetics (formerly Invitae), Labcorp
Classification: Uncertain significance for Dilated cardiomyopathy 1JJ. Last evaluated: 2023-08-01. Review status: criteria provided, single submitter. Criteria: Invitae Variant Classification Sherloc (09022015). Collection method: clinical testing. Allele origin: germline.
Comment: An algorithm developed to predict the effect of missense changes on protein structure and function (PolyPhen-2) suggests that this variant is likely to be disruptive. In summary, the available evidence is currently insufficient to determine the role of this variant in disease. Therefore, it has been classified as a Variant of Uncertain Significance. ClinVar contains an entry for this variant (Variation ID: 474176). This variant has not been reported in the literature in individuals affected with LAMA4-related conditions. This variant is not present in population databases (gnomAD no frequency). This sequence change replaces tyrosine, which is neutral and polar, with histidine, which is basic and polar, at codon 1018 of the LAMA4 protein (p.Tyr1018His).